The following is an entry in ClinVar:

ClinVar aggregate classification (germline): Pathogenic. Review status: criteria provided, multiple submitters, no conflicts (2 of 4 stars). 2 submissions from 2 submitters: Pathogenic (2). Last evaluated 2023-05-24.

Conditions:
Vici syndrome (VICIS). Identifiers: Orphanet 1493, MedGen C1855772, MONDO:0009452, OMIM 242840.

Allele frequency attached by ClinVar (database versions not stated): gnomAD exomes below 0.00001; TOPMed below 0.00001; gnomAD 0.00001; ESP Exome Variant Server 0.00009.
gnomAD v4.1: 6 of 1,557,640 alleles (0.00039%); highest among the groups gnomAD compares: East Asian, 0.0023%; no homozygotes.

Submissions (2):

Women's Health and Genetics/Laboratory Corporation of America, LabCorp
Classification: Pathogenic for Vici syndrome. Last evaluated: 2023-05-24. Review status: criteria provided, single submitter. Criteria: LabCorp Variant Classification Summary - May 2015. Collection method: clinical testing. Allele origin: germline.
Comment: Variant summary: KIAA1632 (EPG5) c.4327C>T (p.Gln1443X) results in a premature termination codon, predicted to cause a truncation of the encoded protein or absence of the protein due to nonsense mediated decay, which are commonly known mechanisms for disease. The variant was absent in 201728 control chromosomes (gnomAD). c.4327C>T has been reported in the literature as a compound heterozygous genotype in at least one individual affected with Vici Syndrome (e.g. Balasubramaniam_2018). To our knowledge, no experimental evidence demonstrating an impact on protein function has been reported. The following publication has been ascertained in the context of this evaluation (PMID: 29159459). No clinical diagnostic laboratories have submitted clinical-significance assessments for this variant to ClinVar after 2014. Based on the evidence outlined above, the variant was classified as pathogenic.

Kids Research, The Children's Hospital at Westmead
Classification: Pathogenic for Vici syndrome. Review status: criteria provided, single submitter. Criteria: ACMG Guidelines, 2015. Collection method: research. Allele origin: inherited. Inheritance: Autosomal recessive inheritance. Affected: yes.

Literature cited by the submitters: PubMed 29159459 (cited by Women's Health and Genetics/Laboratory Corporation of America, LabCorp); PubMed 32313153 (cited by Kids Research, The Children's Hospital at Westmead).

NM_020964.3(EPG5):c.4327C>T (p.Gln1443Ter)

Gene: EPG5 (ectopic P-granules 5 autophagy tethering factor; minus strand). Cytogenetic location: 18q21.1.
Variant type: single nucleotide variant.
Coding change: c.4327C>T on transcript NM_020964.3 (MANE Select); coding-DNA position 4327, C replaced by T.
Protein change: p.Gln1443Ter; replaces glutamine 1443 with a stop codon.
Molecular consequence: nonsense.
Genome position (GRCh38, 1-based): chr18:45,907,960, G>A on the plus strand (C>T on the coding strand, the complement: EPG5 is on the minus strand). VCF-style: chr18-45907960-G-A. GRCh37 (hg19) VCF-style: chr18-43487925-G-A.
Other names: c.4327C>T (NM_020964.2); short protein forms Q1443*.
Identifiers: ClinVar variation 869404 (VCV000869404.3), dbSNP rs374321183, ClinGen allele CA299757995.